The following is an entry in ClinVar:

NM_015627.3(LDLRAP1):c.451C>T (p.Arg151Trp)

Gene: LDLRAP1 (low density lipoprotein receptor adaptor protein 1; plus strand). Cytogenetic location: 1p36.11.
Variant type: single nucleotide variant.
Coding change: c.451C>T on transcript NM_015627.3 (MANE Select); coding-DNA position 451, C replaced by T.
Protein change: p.Arg151Trp; replaces arginine 151 with tryptophan.
Molecular consequence: missense variant.
Genome position (GRCh38, 1-based): chr1:25,557,259, C>T. VCF-style: chr1-25557259-C-T. GRCh37 (hg19) VCF-style: chr1-25883750-C-T.
Other names: short protein forms R151W.
Identifiers: ClinVar variation 296979 (VCV000296979.26), dbSNP rs148916767, ClinGen allele CA695552.
Genomic context (GRCh38, chr1:25,557,259, plus strand): 5'-TACATCGCCCAGAGCCAGCACAACCAGAGCCTCGAGTGCCACGCCTTCCTCTGCACCAAG[C>T]GGAAGATGGTCAGCGGGGAGGGCTGGGGCGGGGACAGGGTCCAGTGGCCTTGGCAGCCTT-3'
Protein context (NP_056442.2, residues 141-161): LECHAFLCTK[Arg151Trp]KMAQAVTLTV

ClinVar aggregate classification (germline): Uncertain significance. Review status: criteria provided, multiple submitters, no conflicts (2 of 4 stars). 8 submissions from 8 submitters: Uncertain significance (7). 1 of the submissions does not count toward it. Last evaluated 2025-11-24.

Conditions:
Cardiovascular phenotype. Identifiers: MedGen CN230736.
Familial hypercholesterolemia. Also called: Familial hypercholesterolaemia; Familial hypercholesterolemias. Identifiers: MedGen C0020445, MONDO:0005439.
Hypercholesterolemia, familial, 4 (FHCL4). Also called: HYPERCHOLESTEROLEMIA, AUTOSOMAL RECESSIVE, 1; HYPERCHOLESTEROLEMIA, AUTOSOMAL RECESSIVE, 2. Identifiers: Orphanet 391665, MedGen C1863512, MONDO:0011374, OMIM 603813.

Allele frequency attached by ClinVar (database versions not stated): TOPMed 0.00007; ESP Exome Variant Server 0.00015; gnomAD exomes 0.00024; ExAC 0.00025; gnomAD 0.00032.

Submissions (8):

GeneDx
Classification: Uncertain significance. Last evaluated: 2025-11-24. Review status: criteria provided, single submitter. Criteria: GeneDx Variant Classification Process June 2021. Collection method: clinical testing. Allele origin: germline.
Comment: In silico analysis supports that this missense variant has a deleterious effect on protein structure/function; Identified in patients with dyslipidemia in published literature (PMID: 32041611, 37848354); This variant is associated with the following publications: (PMID: 37848354, 32041611, 39802654)

Blueprint Genetics
Classification: Uncertain significance. Last evaluated: 2024-11-05. Review status: criteria provided, single submitter. Criteria: ACMG Guidelines, 2015. Collection method: clinical testing. Allele origin: germline.

Ambry Genetics
Classification: Uncertain significance for Cardiovascular phenotype. Last evaluated: 2024-08-06. Review status: criteria provided, single submitter. Criteria: Ambry Variant Classification Scheme 2023. Collection method: clinical testing. Allele origin: germline.
Comment: The p.R151W variant (also known as c.451C>T), located in coding exon 4 of the LDLRAP1 gene, results from a C to T substitution at nucleotide position 451. The arginine at codon 151 is replaced by tryptophan, an amino acid with dissimilar properties. This amino acid position is highly conserved in available vertebrate species. In addition, the in silico prediction for this alteration is inconclusive. Since supporting evidence is limited at this time, the clinical significance of this alteration remains unclear.

Genome-Nilou Lab
Classification: Uncertain significance for Hypercholesterolemia, familial, 4. Last evaluated: 2023-04-11. Review status: criteria provided, single submitter. Criteria: ACMG Guidelines, 2015. Collection method: clinical testing. Allele origin: germline. Affected: no.

Labcorp Genetics (formerly Invitae), Labcorp
Classification: Uncertain significance for Hypercholesterolemia, familial, 4. Last evaluated: 2022-03-28. Review status: criteria provided, single submitter. Criteria: Invitae Variant Classification Sherloc (09022015). Collection method: clinical testing. Allele origin: germline.
Comment: This sequence change replaces arginine, which is basic and polar, with tryptophan, which is neutral and slightly polar, at codon 151 of the LDLRAP1 protein (p.Arg151Trp). This variant is present in population databases (rs148916767, gnomAD 0.1%). This variant has not been reported in the literature in individuals affected with LDLRAP1-related conditions. ClinVar contains an entry for this variant (Variation ID: 296979). Algorithms developed to predict the effect of missense changes on protein structure and function (SIFT, PolyPhen-2, Align-GVGD) all suggest that this variant is likely to be disruptive. In summary, the available evidence is currently insufficient to determine the role of this variant in disease. Therefore, it has been classified as a Variant of Uncertain Significance.

Fulgent Genetics
Classification: Uncertain significance for Hypercholesterolemia, familial, 4. Last evaluated: 2021-07-20. Review status: criteria provided, single submitter. Criteria: ACMG Guidelines, 2015. Collection method: clinical testing. Allele origin: unknown.

Illumina Laboratory Services, Illumina
Classification: Uncertain significance for Hypercholesterolemia, familial, 4. Last evaluated: 2018-01-13. Review status: criteria provided, single submitter. Criteria: ICSL Variant Classification Criteria 13 December 2019. Collection method: clinical testing. Allele origin: germline.

Natera, Inc.
Classification: Uncertain significance for Familial hypercholesterolemia. Last evaluated: 2020-02-06. Review status: no assertion criteria provided. Collection method: clinical testing. Allele origin: germline. Not counted in ClinVar's aggregate classification.